The following is an entry in ClinVar:

ClinVar aggregate classification (germline): Uncertain significance (1 of 4 stars; one submission).

Conditions:
Glycogen storage disease, type VII (GSD7). Also called: GSD VII; MUSCLE PHOSPHOFRUCTOKINASE DEFICIENCY; PFKM DEFICIENCY; TARUI DISEASE. Identifiers: Orphanet 371, MedGen C0017926, MONDO:0009295, OMIM 232800.

gnomAD v4.1: 1 of 1,613,748 alleles (0.000062%); highest among the groups gnomAD compares: Admixed American, 0.0017%; no homozygotes.

Submission:

Labcorp Genetics (formerly Invitae), Labcorp
Classification: Uncertain significance for Glycogen storage disease, type VII. Last evaluated: 2026-01-02. Review status: criteria provided, single submitter. Criteria: Invitae Variant Classification Sherloc (09022015). Collection method: clinical testing. Allele origin: germline.
Comment: This sequence change replaces threonine, which is neutral and polar, with isoleucine, which is neutral and non-polar, at codon 252 of the PFKM protein (p.Thr252Ile). This variant is not present in population databases (gnomAD no frequency). This variant has not been reported in the literature in individuals affected with PFKM-related conditions. Invitae Evidence Modeling of protein sequence and biophysical properties (such as structural, functional, and spatial information, amino acid conservation, physicochemical variation, residue mobility, and thermodynamic stability) indicates that this missense variant is not expected to disrupt PFKM protein function with a negative predictive value of 95%. In summary, the available evidence is currently insufficient to determine the role of this variant in disease. Therefore, it has been classified as a Variant of Uncertain Significance.

NM_000289.6(PFKM):c.755C>T (p.Thr252Ile)

Gene: PFKM (phosphofructokinase, muscle; plus strand). Cytogenetic location: 12q13.11.
Variant type: single nucleotide variant.
Coding change: c.755C>T on transcript NM_000289.6 (MANE Select); coding-DNA position 755, C replaced by T.
Protein change: p.Thr252Ile; replaces threonine 252 with isoleucine.
Molecular consequence: missense variant. On other transcripts: non-coding transcript variant (6).
Genome position (GRCh38, 1-based): chr12:48,134,950, C>T. VCF-style: chr12-48134950-C-T. GRCh37 (hg19) VCF-style: chr12-48528733-C-T.
Other names: c.968C>T, p.Thr323Ile (NM_001166686.2, NM_001354737.1, NM_001354738.1 and 2 more transcripts); c.755C>T, p.Thr252Ile (NM_001166687.2, NM_001166688.2, NM_001354742.2 and 4 more transcripts); c.1064C>T, p.Thr355Ile (NM_001354735.1, NM_001354736.1); c.899C>T, p.Thr300Ile (NM_001354740.1); c.779C>T, p.Thr260Ile (NM_001354741.2); c.668C>T, p.Thr223Ile (NM_001354745.2); c.605C>T, p.Thr202Ile (NM_001354747.2, NM_001354748.2); short protein forms T260I, T300I, T323I, T355I, T202I, T223I, T252I.
Identifiers: ClinVar variation 4708607 (VCV004708607.1).
Genomic context (GRCh38, chr12:48,134,950, plus strand): 5'-TCCCACCCATCAGCTTCATTCCATGGACCATTTTACCCTTTGTTCTCAACCAGACAAGGA[C>T]CCGTGGTTCTCGTCTCAACATCATCATTGTGGCTGAGGGTGCAATTGACAAGAATGGAAA-3'
Protein context (NP_000280.1, residues 242-262): HLCRRLSETR[Thr252Ile]RGSRLNIIIV